The following is an entry in ClinVar:

NC_000001.10:g.(?_216348574)_(216390912_?)del

Gene: USH2A (usherin; minus strand). Cytogenetic location: 1q41.
Variant type: Deletion.
Identifiers: ClinVar variation 1459777 (VCV001459777.5).

ClinVar aggregate classification (germline): Pathogenic (1 of 4 stars; one submission).

Submission:

Labcorp Genetics (formerly Invitae), Labcorp
Classification: Pathogenic. Last evaluated: 2024-01-02. Review status: criteria provided, single submitter. Criteria: Invitae Variant Classification Sherloc (09022015). Collection method: clinical testing. Allele origin: germline.
Comment: This variant is a gross deletion of the genomic region encompassing exon(s) 15-21 of the USH2A gene. This deletion is out-of-frame, and is expected to create a premature termination codon and result in an absent or disrupted protein product. Loss-of-function variants in USH2A are known to be pathogenic (PMID: 10729113, 10909849, 20507924, 25649381). This variant has not been reported in the literature in individuals affected with USH2A-related conditions. For these reasons, this variant has been classified as Pathogenic.

Literature cited by the submitters: PubMed 10729113; PubMed 10909849; PubMed 20507924; PubMed 25649381.